The following is an entry in ClinVar:

NM_004304.5(ALK):c.3332T>C (p.Val1111Ala)

Gene: ALK (ALK receptor tyrosine kinase; minus strand). Cytogenetic location: 2p23.2.
Variant type: single nucleotide variant.
Coding change: c.3332T>C on transcript NM_004304.5 (MANE Select); coding-DNA position 3332, T replaced by C.
Protein change: p.Val1111Ala; replaces valine 1111 with alanine.
Molecular consequence: missense variant.
Genome position (GRCh38, 1-based): chr2:29,223,369, A>G on the plus strand (T>C on the coding strand, the complement: ALK is on the minus strand). VCF-style: chr2-29223369-A-G. GRCh37 (hg19) VCF-style: chr2-29446235-A-G.
Other names: c.128T>C, p.Val43Ala (NM_001353765.2); c.3332T>C (NM_004304.4); short protein forms V1111A, V43A.
Identifiers: ClinVar variation 1434723 (VCV001434723.7), dbSNP rs558282902, ClinGen allele CA1594007.

ClinVar aggregate classification (germline): Uncertain significance. Review status: criteria provided, multiple submitters, no conflicts (2 of 4 stars). 2 submissions from 2 submitters: Uncertain significance (2). Last evaluated 2024-09-10.

Conditions:
Hereditary cancer-predisposing syndrome. Also called: Neoplastic Syndromes, Hereditary; Hereditary Cancer Syndrome; Tumor predisposition; Hereditary neoplastic syndrome. Identifiers: Orphanet 140162, MedGen C0027672, MeSH D009386, MONDO:0015356.
Neuroblastoma, susceptibility to, 3. Also called: ALK-Related Neuroblastic Tumor Susceptibility. Identifiers: Orphanet 635, MedGen C2751681, MONDO:0013083, OMIM 613014.

Allele frequency attached by ClinVar (database versions not stated): gnomAD exomes below 0.00001; ExAC 0.00001; gnomAD 0.00001; 1000 Genomes Project 30x 0.00016; 1000 Genomes Project 0.00020.
gnomAD v4.1: 1 of 1,613,912 alleles (0.000062%); highest among the groups gnomAD compares: East Asian, 0.0022%; no homozygotes.

Submissions (2):

Labcorp Genetics (formerly Invitae), Labcorp
Classification: Uncertain significance for Neuroblastoma, susceptibility to, 3. Last evaluated: 2024-09-10. Review status: criteria provided, single submitter. Criteria: Invitae Variant Classification Sherloc (09022015). Collection method: clinical testing. Allele origin: germline.
Comment: This sequence change replaces valine, which is neutral and non-polar, with alanine, which is neutral and non-polar, at codon 1111 of the ALK protein (p.Val1111Ala). This variant is present in population databases (rs558282902, gnomAD 0.006%). This variant has not been reported in the literature in individuals affected with ALK-related conditions. ClinVar contains an entry for this variant (Variation ID: 1434723). An algorithm developed to predict the effect of missense changes on protein structure and function (PolyPhen-2) suggests that this variant is likely to be tolerated. In summary, the available evidence is currently insufficient to determine the role of this variant in disease. Therefore, it has been classified as a Variant of Uncertain Significance.

Ambry Genetics
Classification: Uncertain significance for Hereditary cancer-predisposing syndrome. Last evaluated: 2024-04-01. Review status: criteria provided, single submitter. Criteria: Ambry Variant Classification Scheme 2023. Collection method: clinical testing. Allele origin: germline.
Comment: The p.V1111A variant (also known as c.3332T>C), located in coding exon 20 of the ALK gene, results from a T to C substitution at nucleotide position 3332. The valine at codon 1111 is replaced by alanine, an amino acid with similar properties. This amino acid position is conserved. In addition, this alteration is predicted to be deleterious by in silico analysis. Based on the available evidence, the clinical significance of this alteration remains unclear.